The following is an entry in ClinVar:

NM_001105206.3(LAMA4):c.1772T>C (p.Ile591Thr)

Gene: LAMA4 (laminin subunit alpha 4; minus strand). Cytogenetic location: 6q21.
Variant type: single nucleotide variant.
Coding change: c.1772T>C on transcript NM_001105206.3 (MANE Select); coding-DNA position 1772, T replaced by C.
Protein change: p.Ile591Thr; replaces isoleucine 591 with threonine.
Molecular consequence: missense variant.
Genome position (GRCh38, 1-based): chr6:112,158,777, A>G on the plus strand (T>C on the coding strand, the complement: LAMA4 is on the minus strand). VCF-style: chr6-112158777-A-G. GRCh37 (hg19) VCF-style: chr6-112479979-A-G.
Other names: c.1751T>C, p.Ile584Thr (NM_001105207.3, NM_002290.5); short protein forms I591T, I584T.
Identifiers: ClinVar variation 4746493 (VCV004746493.1).

ClinVar aggregate classification (germline): Uncertain significance (1 of 4 stars; one submission).

Conditions:
Dilated cardiomyopathy 1JJ (CMD1JJ). Identifiers: Orphanet 154, MedGen C3808935, MONDO:0014095, OMIM 615235.

Submission:

Labcorp Genetics (formerly Invitae), Labcorp
Classification: Uncertain significance for Dilated cardiomyopathy 1JJ. Last evaluated: 2025-03-09. Review status: criteria provided, single submitter. Criteria: Invitae Variant Classification Sherloc (09022015). Collection method: clinical testing. Allele origin: germline.
Comment: This sequence change replaces isoleucine, which is neutral and non-polar, with threonine, which is neutral and polar, at codon 584 of the LAMA4 protein (p.Ile584Thr). This variant is not present in population databases (gnomAD no frequency). This variant has not been reported in the literature in individuals affected with LAMA4-related conditions. Invitae Evidence Modeling of protein sequence and biophysical properties (such as structural, functional, and spatial information, amino acid conservation, physicochemical variation, residue mobility, and thermodynamic stability) indicates that this missense variant is expected to disrupt LAMA4 protein function with a positive predictive value of 80%. In summary, the available evidence is currently insufficient to determine the role of this variant in disease. Therefore, it has been classified as a Variant of Uncertain Significance.